The following is an entry in ClinVar:

NM_006009.4(TUBA1A):c.518C>T (p.Pro173Leu)

Gene: TUBA1A (tubulin alpha 1a; minus strand). Cytogenetic location: 12q13.12.
Variant type: single nucleotide variant.
Coding change: c.518C>T on transcript NM_006009.4 (MANE Select); coding-DNA position 518, C replaced by T.
Protein change: p.Pro173Leu; replaces proline 173 with leucine.
Molecular consequence: missense variant.
Genome position (GRCh38, 1-based): chr12:49,185,848, G>A on the plus strand (C>T on the coding strand, the complement: TUBA1A is on the minus strand). VCF-style: chr12-49185848-G-A. GRCh37 (hg19) VCF-style: chr12-49579631-G-A.
Other names: c.518C>T (NM_006009.2, NM_001270399.1); c.518C>T, p.Pro173Leu (NM_001270399.2); c.413C>T, p.Pro138Leu (NM_001270400.2); short protein forms P173L, P138L.
Identifiers: ClinVar variation 625511 (VCV000625511.28), dbSNP rs1565627304, ClinGen allele CA384642016.

ClinVar aggregate classification (germline): Conflicting classifications of pathogenicity. Review status: criteria provided, conflicting classifications (1 of 4 stars). 15 submissions from 15 submitters: Pathogenic (10); Likely pathogenic (2); Uncertain significance (1). 2 of the submissions do not count toward it. Last evaluated 2026-02-01.

Conditions:
Tubulinopathy-associated dysgyria. Identifiers: Orphanet 467166, MedGen C5568850, MONDO:0018763.
Tubulinopathy. Also called: Tubulinopathies. Identifiers: MedGen CN850169, MONDO:0100153.
TUBA1A-related disorder. Also called: TUBA1A-related condition.
Inborn genetic diseases. Identifiers: MedGen C0950123, MeSH D030342.
Lissencephaly due to TUBA1A mutation (CDCBM16). Also called: CORTICAL DYSPLASIA, COMPLEX, WITH OTHER BRAIN MALFORMATIONS 16; Lissencephaly 3. Identifiers: Orphanet 171680, MedGen C4305153, MONDO:0012703, OMIM 611603.
Intellectual disability. Also called: Intellectual functioning disability; intellectual disabilities; Intellectual developmental disorder. Identifiers: MedGen C3714756, MeSH D008607, MONDO:0001071, HP:0001249.

Submissions 1 to 11 of 15:

CeGaT Center for Human Genetics Tuebingen
Classification: Pathogenic. Last evaluated: 2026-02-01. Review status: criteria provided, single submitter. Criteria: CeGaT Center For Human Genetics Tuebingen Variant Classification Criteria Version 2. Collection method: clinical testing. Allele origin: germline. Affected: yes. Observed: 1 variant allele.
Comment: TUBA1A: PS2, PM2, PS4:Moderate, PP2, PP3

Ambry Genetics
Classification: Pathogenic for Inborn genetic diseases. Last evaluated: 2025-04-28. Review status: criteria provided, single submitter. Criteria: Ambry Variant Classification Scheme 2023. Collection method: clinical testing. Allele origin: germline.
Comment: The c.518C>T (p.P173L) alteration is located in exon 4 (coding exon 4) of the TUBA1A gene. This alteration results from a C to T substitution at nucleotide position 518, causing the proline (P) at amino acid position 173 to be replaced by a leucine (L). This variant was not reported in population-based cohorts in the Genome Aggregation Database (gnomAD). This alteration has been reported de novo in multiple unrelated patients with features consistent with TUBA1A-related tubulinopathy including global developmental delay, cortical and subcortical malformations, microcephaly, spasticity, and epilepsy (Hebebrand, 2019; Dawidziuk, 2021; Schr&ouml;ter, 2022 DECIPHER). This amino acid position is highly conserved in available vertebrate species. This missense alteration is located in a region that has a low rate of benign missense variation (Lek, 2016; Firth, 2009). This alteration is predicted to be deleterious by in silico analysis. Based on the available evidence, this alteration is classified as pathogenic.

Variantyx, Inc.
Classification: Likely pathogenic for Lissencephaly due to TUBA1A mutation. Last evaluated: 2025-03-27. Review status: criteria provided, single submitter. Criteria: Variantyx Assertion Criteria 2022. Collection method: clinical testing. Allele origin: germline. Inheritance: Autosomal dominant inheritance. Affected: yes.
Comment: This is a nonsynonymous variant in the TUBA1A gene (OMIM: 602529). Pathogenic variants in this gene have been associated with autosomal dominant lissencephaly 3. This variant likely occurred de novo in individuals from the published literature, however, the possibility of parental germline mosaicism cannot be excluded (PMID: 34946966, 28714951, 22495306, 30744660) (PS2). Multiple computational algorithms predict a deleterious effect for this variant (REVEL score: 0.909) (PP3). This variant is absent from control populations (PM2). Based on the current evidence, this variant is classified as likely pathogenic for autosomal dominant lissencephaly 3.

Victorian Clinical Genetics Services, Murdoch Childrens Research Institute
Classification: Pathogenic for Tubulinopathy. Last evaluated: 2025-01-08. Review status: criteria provided, single submitter. Criteria: ACMG Guidelines, 2015. Collection method: clinical testing. Allele origin: germline. Affected: yes.
Comment: This variant is classified as Pathogenic. Evidence in support of pathogenic classification: Variant is absent from gnomAD (v2, v3 and v4); This variant has strong previous evidence of pathogenicity in unrelated individuals. This variant has been classified as pathogenic and likely pathogenic by multiple clinical laboratories in ClinVar, and once as a VUS. It has also been reported as de novo in affected individuals in the literature (PMIDs: 24860126, 30744660); Missense variant consistently predicted to be damaging by in silico tool or highly conserved with a major amino acid change; Additional information: Variant is predicted to result in a missense amino acid change from proline to leucine; This variant is heterozygous; This gene is associated with autosomal dominant disease; An alternative amino acid change at the same position has been observed in gnomAD (v2: 1 heterozygote(s), 0 homozygote(s)); Variant is located in the annotated tubulin domain (DECIPHER); Dominant negative is a known mechanism of disease in this gene and is associated with lissencephaly 3 (MIM#61160), resulting in defects in protein stability (PMIDs: 20466733, 30517687). A phenotypic spectrum including congenital fibrosis of the extraocular muscles has also been described (PMID: 33649541)

Blueprint Genetics
Classification: Pathogenic for TUBA1A-related disorders. Last evaluated: 2022-10-17. Review status: criteria provided, single submitter. Criteria: ACMG Guidelines, 2015. Collection method: clinical testing. Allele origin: germline. Affected: yes. Observed: 1 variant allele.

Labcorp Genetics (formerly Invitae), Labcorp
Classification: Uncertain significance. Last evaluated: 2022-09-27. Review status: criteria provided, single submitter. Criteria: Invitae Variant Classification Sherloc (09022015). Collection method: clinical testing. Allele origin: germline.
Comment: In summary, the available evidence is currently insufficient to determine the role of this variant in disease. Therefore, it has been classified as a Variant of Uncertain Significance. Advanced modeling of protein sequence and biophysical properties (such as structural, functional, and spatial information, amino acid conservation, physicochemical variation, residue mobility, and thermodynamic stability) performed at Invitae indicates that this missense variant is expected to disrupt TUBA1A protein function. ClinVar contains an entry for this variant (Variation ID: 625511). This missense change has been observed in individual(s) with tubulinopathy (PMID: 24860126). This variant is not present in population databases (gnomAD no frequency). This sequence change replaces proline, which is neutral and non-polar, with leucine, which is neutral and non-polar, at codon 173 of the TUBA1A protein (p.Pro173Leu).

GeneDx
Classification: Pathogenic. Last evaluated: 2022-03-28. Review status: criteria provided, single submitter. Criteria: GeneDx Variant Classification Process June 2021. Collection method: clinical testing. Allele origin: germline. Affected: yes.
Comment: Not observed at significant frequency in large population cohorts (gnomAD); Missense variants in this gene are often considered pathogenic (HGMD); In silico analysis supports that this missense variant has a deleterious effect on protein structure/function; This variant is associated with the following publications: (PMID: 28714951, 25363768, 22495306, 28407358, 30744660, 34011629, 33726816, 31785789, 35017693, 24860126)

MGZ Medical Genetics Center
Classification: Pathogenic for Lissencephaly due to TUBA1A mutation. Last evaluated: 2022-03-23. Review status: criteria provided, single submitter. Criteria: ACMG Guidelines, 2015. Collection method: clinical testing. Allele origin: germline. Affected: yes. Observed: 1 variant allele.
Comment: ACMG criteria applied: PS2_VSTR, PM2_SUP, PP2, PP3

Center for Pediatrics and Adolescent Medicine, University Hospital Heidelberg
Classification: Pathogenic for Tubulinopathy-associated dysgyria. Last evaluated: 2021-11-01. Review status: criteria provided, single submitter. Criteria: ACMG Guidelines, 2015. Collection method: research. Allele origin: de novo. Inheritance: Autosomal dominant inheritance. Affected: yes. Observed: 1 heterozygote. Segregation with disease not observed.

Cambridge Genomics Laboratory, East Genomic Laboratory Hub, NHS Genomic Medicine Service
Classification: Pathogenic for Intellectual disability. Last evaluated: 2020-02-11. Review status: criteria provided, single submitter. Criteria: ACGS Best Practice Guidelines for Variant Classification in Rare Disease 2020. Collection method: clinical testing. Allele origin: germline. Affected: yes. Observed: 1 variant allele.

Institute of Human Genetics, FAU Erlangen, Friedrich-Alexander-Universität Erlangen-Nürnberg
Classification: Pathogenic for Tubulinopathies. Last evaluated: 2018-07-01. Review status: criteria provided, single submitter. Criteria: ACMG Guidelines, 2015. Collection method: clinical testing. Allele origin: de novo. Affected: yes. Observed: 2 variant alleles.
Comment: The c.518C>T, p.(Pro173Leu) variant has been reported as a variant of de novo origin. This variant and associated phenotype was previously reported by Hebebrand et al. Orphanet J. Rare. Dis., 2019 PMID: 30744660. HPO-standardized clinical features were: Hypoplasia of the corpus callosum (HP:0002079); Cerebellar vermis hypoplasia (HP:0001320); Hypoplastic hippocampus (HP:0025517); Dilation of lateral ventricles (HP:0006956); Microcephaly (HP:0000252); Spasticity, muscular hypotonia (HP:0001257, HP:0001252); Focal seizures (HP:0007359); Strabismus (HP:0000486)